The following is an entry in ClinVar:

NM_001039591.3(USP9X):c.4537G>A (p.Val1513Met)

Gene: USP9X (ubiquitin specific peptidase 9 X-linked; plus strand). Cytogenetic location: Xp11.4.
Variant type: single nucleotide variant.
Coding change: c.4537G>A on transcript NM_001039591.3 (MANE Select); coding-DNA position 4537, G replaced by A.
Protein change: p.Val1513Met; replaces valine 1513 with methionine.
Molecular consequence: missense variant.
Genome position (GRCh38, 1-based): chrX:41,198,684, G>A. VCF-style: chrX-41198684-G-A. GRCh37 (hg19) VCF-style: chrX-41057937-G-A.
Other names: c.4537G>A, p.Val1513Met (NM_001039590.3); short protein forms V1513M.
Identifiers: ClinVar variation 1489672 (VCV001489672.8), dbSNP rs1271770573, ClinGen allele CA412775973.

ClinVar aggregate classification (germline): Uncertain significance (1 of 4 stars; one submission).

Allele frequency attached by ClinVar (database versions not stated): gnomAD exomes below 0.00001; TOPMed 0.00001.
gnomAD v4.1: 4 of 1,211,747 alleles (0.00033%); highest among the groups gnomAD compares: Non-Finnish European, 0.00045%; no homozygotes.

Submission:

Labcorp Genetics (formerly Invitae), Labcorp
Classification: Uncertain significance. Last evaluated: 2024-10-26. Review status: criteria provided, single submitter. Criteria: Invitae Variant Classification Sherloc (09022015). Collection method: clinical testing. Allele origin: germline.
Comment: This sequence change replaces valine, which is neutral and non-polar, with methionine, which is neutral and non-polar, at codon 1513 of the USP9X protein (p.Val1513Met). This variant is not present in population databases (gnomAD no frequency). This variant has not been reported in the literature in individuals affected with USP9X-related conditions. ClinVar contains an entry for this variant (Variation ID: 1489672). An algorithm developed to predict the effect of missense changes on protein structure and function (PolyPhen-2) suggests that this variant is likely to be tolerated. In summary, the available evidence is currently insufficient to determine the role of this variant in disease. Therefore, it has been classified as a Variant of Uncertain Significance.